The following is an entry in ClinVar:

ClinVar aggregate classification (germline): Benign. Review status: criteria provided, multiple submitters, no conflicts (2 of 4 stars). 2 submissions from 2 submitters: Benign (2). Last evaluated 2018-06-19.

Allele frequency attached by ClinVar (database versions not stated): gnomAD 0.08324 and 0.08712; TOPMed 0.09357; 1000 Genomes Project 0.11641; 1000 Genomes Project 30x 0.12055.
gnomAD v4.1: 12,564 of 152,150 alleles (8.3%); highest among the groups gnomAD compares: African/African-American, 27%; 1,561 homozygotes.

Submissions (2):

GeneDx
Classification: Benign. Last evaluated: 2018-06-19. Review status: criteria provided, single submitter. Criteria: GeneDx Variant Classification (06012015). Collection method: clinical testing. Allele origin: germline. Affected: yes.
Comment: This variant is considered likely benign or benign based on one or more of the following criteria: it is a conservative change, it occurs at a poorly conserved position in the protein, it is predicted to be benign by multiple in silico algorithms, and/or has population frequency not consistent with disease.

Breakthrough Genomics
Classification: Benign. Review status: criteria provided, single submitter. Criteria: ACMG Guidelines, 2015. Collection method: not provided. Allele origin: germline. Inheritance: Autosomal recessive inheritance. Affected: yes.

NM_000090.4(COL3A1):c.2445+162C>T

Genes: COL3A1 (collagen type III alpha 1 chain; plus strand), LOC126806446 (P300/CBP strongly-dependent group 1 enhancer GRCh37_chr2:189866210-189867409; plus strand). Cytogenetic location: 2q32.2.
Variant type: single nucleotide variant.
Coding change: c.2445+162C>T on transcript NM_000090.4 (MANE Select); 162 bases into the intron after coding-DNA position 2445, C replaced by T.
Molecular consequence: intron variant.
Genome position (GRCh38, 1-based): chr2:189,002,513, C>T. VCF-style: chr2-189002513-C-T. GRCh37 (hg19) VCF-style: chr2-189867239-C-T.
Identifiers: ClinVar variation 675249 (VCV000675249.2), dbSNP rs13306260, ClinGen allele CA62556102.